The following is an entry in ClinVar:

ClinVar aggregate classification (germline): Benign/Likely benign. Review status: criteria provided, multiple submitters, no conflicts (2 of 4 stars). 7 submissions from 7 submitters: Benign (4); Likely benign (3). Last evaluated 2026-01-27.

Conditions:
Hereditary spastic paraplegia. Also called: Familial spastic paraparesis. Identifiers: Orphanet 685, MedGen C0037773, MONDO:0019064. Disease mechanism: loss of function.
Hereditary spastic paraplegia 48. Also called: SPASTIC PARAPLEGIA 48, AUTOSOMAL RECESSIVE; Spastic paraplegia 48. Identifiers: Orphanet 306511, MedGen C3150901, MONDO:0013342, OMIM 613647.

Allele frequency attached by ClinVar (database versions not stated): gnomAD exomes 0.00242; ExAC 0.00391; 1000 Genomes Project 0.00978; ESP Exome Variant Server 0.01000; gnomAD 0.01044 and 0.01129; TOPMed 0.01219.
gnomAD v4.1: 3,081 of 1,609,808 alleles (0.19%); highest among the groups gnomAD compares: African/African-American, 3.6%; 57 homozygotes.

Submissions (7):

Labcorp Genetics (formerly Invitae), Labcorp
Classification: Benign for Hereditary spastic paraplegia 48. Last evaluated: 2026-01-27. Review status: criteria provided, single submitter. Criteria: Invitae Variant Classification Sherloc (09022015). Collection method: clinical testing. Allele origin: germline.

GeneDx
Classification: Likely benign. Last evaluated: 2022-09-22. Review status: criteria provided, single submitter. Criteria: GeneDx Variant Classification Process June 2021. Collection method: clinical testing. Allele origin: germline. Affected: yes.
Comment: See Variant Classification Assertion Criteria.

Genome Diagnostics Laboratory, The Hospital for Sick Children
Classification: Benign for Hereditary spastic paraplegia. Last evaluated: 2020-01-01. Review status: criteria provided, single submitter. Criteria: ACMG Guidelines, 2015. Collection method: clinical testing. Allele origin: germline. Affected: yes.

Mayo Clinic Laboratories, Mayo Clinic
Classification: Benign. Last evaluated: 2019-10-31. Review status: criteria provided, single submitter. Criteria: ACMG Guidelines, 2015. Collection method: clinical testing. Allele origin: germline. Observed: 6 variant alleles.

Illumina Laboratory Services, Illumina
Classification: Likely benign for Hereditary spastic paraplegia 48. Last evaluated: 2018-01-13. Review status: criteria provided, single submitter. Criteria: ICSL Variant Classification Criteria 13 December 2019. Collection method: clinical testing. Allele origin: germline.
Comment: This variant was observed in the ICSL laboratory as part of a predisposition screen in an ostensibly healthy population. It had not been previously curated by ICSL or reported in the Human Gene Mutation Database (HGMD: prior to June 1st, 2018), and was therefore a candidate for classification through an automated scoring system. Utilizing variant allele frequency, disease prevalence and penetrance estimates, and inheritance mode, an automated score was calculated to assess if this variant is too frequent to cause the disease. Based on the score and internal cut-off values, a variant classified as likely benign is not then subjected to further curation. The score for this variant resulted in a classification of likely benign for this disease.

Athena Diagnostics
Classification: Benign. Last evaluated: 2016-12-16. Review status: criteria provided, single submitter. Criteria: Athena Diagnostics Criteria. Collection method: clinical testing. Allele origin: germline.

Breakthrough Genomics
Classification: Likely benign. Review status: criteria provided, single submitter. Criteria: ACMG Guidelines, 2015. Collection method: not provided. Allele origin: germline. Inheritance: Autosomal recessive inheritance. Affected: yes.

NM_014855.3(AP5Z1):c.379G>A (p.Glu127Lys)

Gene: AP5Z1 (adaptor related protein complex 5 subunit zeta 1; plus strand). Cytogenetic location: 7p22.1.
Variant type: single nucleotide variant.
Coding change: c.379G>A on transcript NM_014855.3 (MANE Select); coding-DNA position 379, G replaced by A.
Protein change: p.Glu127Lys; replaces glutamic acid 127 with lysine.
Molecular consequence: missense variant. On other transcripts: non-coding transcript variant (1), 5 prime UTR variant (1).
Genome position (GRCh38, 1-based): chr7:4,783,328, G>A. VCF-style: chr7-4783328-G-A. GRCh37 (hg19) VCF-style: chr7-4822959-G-A.
Other names: c.-90G>A (NM_001364858.1); c.379G>A, p.Glu127Lys (LRG_1247t1); short protein forms E127K.
Identifiers: ClinVar variation 360308 (VCV000360308.24), dbSNP rs115454162, ClinGen allele CA4137191.